The following is an entry in ClinVar:

NM_005559.4(LAMA1):c.6850C>T (p.Leu2284=)

Gene: LAMA1 (laminin subunit alpha 1; minus strand). Cytogenetic location: 18p11.31.
Variant type: single nucleotide variant.
Coding change: c.6850C>T on transcript NM_005559.4 (MANE Select); coding-DNA position 6850, C replaced by T.
Protein change: p.Leu2284=; no amino-acid change (leucine 2284 retained).
Molecular consequence: synonymous variant.
Genome position (GRCh38, 1-based): chr18:6,971,906, G>A on the plus strand (C>T on the coding strand, the complement: LAMA1 is on the minus strand). VCF-style: chr18-6971906-G-A. GRCh37 (hg19) VCF-style: chr18-6971905-G-A.
Identifiers: ClinVar variation 719207 (VCV000719207.12), dbSNP rs77810945, ClinGen allele CA8881107.

ClinVar aggregate classification (germline): Benign. Review status: criteria provided, single submitter (1 of 4 stars). 2 submissions from 2 submitters: Benign (1). 1 of the submissions does not count toward it. Last evaluated 2026-01-25.

Conditions:
LAMA1-related disorder. Also called: LAMA1-related disorders; LAMA1-related condition.

Allele frequency attached by ClinVar (database versions not stated): ESP Exome Variant Server 0.00038; TOPMed 0.00130; 1000 Genomes Project 30x 0.00359; 1000 Genomes Project 0.00399; gnomAD 0.00457 and 0.00458; ExAC 0.00584; gnomAD exomes 0.00636.
gnomAD v4.1: 4,347 of 1,614,024 alleles (0.27%); highest among the groups gnomAD compares: East Asian, 1.6%; 70 homozygotes.

Submissions (2):

Labcorp Genetics (formerly Invitae), Labcorp
Classification: Benign. Last evaluated: 2026-01-25. Review status: criteria provided, single submitter. Criteria: Invitae Variant Classification Sherloc (09022015). Collection method: clinical testing. Allele origin: germline.

PreventionGenetics, part of Exact Sciences
Classification: Benign for LAMA1-related condition. Last evaluated: 2019-09-20. Review status: no assertion criteria provided. Collection method: clinical testing. Allele origin: germline. Not counted in ClinVar's aggregate classification.
Comment: This variant is classified as benign based on ACMG/AMP sequence variant interpretation guidelines (Richards et al. 2015 PMID: 25741868, with internal and published modifications).